The following is an entry in ClinVar:

ClinVar aggregate classification (germline): Uncertain significance (1 of 4 stars; one submission).

Conditions:
Hereditary breast ovarian cancer syndrome. Also called: Hereditary breast and ovarian cancer syndrome (HBOC); Breast and ovarian cancer; BRCA1- and BRCA2-Associated Hereditary Breast and Ovarian Cancer; Hereditary breast and ovarian cancer syndrome; Hereditary breast and ovarian cancer; Hereditary breast and/or ovarian cancer syndrome. Identifiers: Orphanet 145, MedGen C0677776, MeSH D061325, MONDO:0003582. Disease mechanism: loss of function.

Submission:

Labcorp Genetics (formerly Invitae), Labcorp
Classification: Uncertain significance for Hereditary breast ovarian cancer syndrome. Last evaluated: 2023-03-04. Review status: criteria provided, single submitter. Criteria: Invitae Variant Classification Sherloc (09022015). Collection method: clinical testing. Allele origin: germline.
Comment: In summary, the available evidence is currently insufficient to determine the role of this variant in disease. Therefore, it has been classified as a Variant of Uncertain Significance. Advanced modeling of protein sequence and biophysical properties (such as structural, functional, and spatial information, amino acid conservation, physicochemical variation, residue mobility, and thermodynamic stability) performed at Invitae indicates that this missense variant is not expected to disrupt BRCA2 protein function. This variant has not been reported in the literature in individuals affected with BRCA2-related conditions. This variant is not present in population databases (gnomAD no frequency). This sequence change replaces alanine, which is neutral and non-polar, with serine, which is neutral and polar, at codon 2764 of the BRCA2 protein (p.Ala2764Ser).

NM_000059.4(BRCA2):c.8290G>T (p.Ala2764Ser)

Gene: BRCA2 (BRCA2 DNA repair associated; plus strand). Cytogenetic location: 13q13.1.
Variant type: single nucleotide variant.
Coding change: c.8290G>T on transcript NM_000059.4 (MANE Select); coding-DNA position 8290, G replaced by T.
Protein change: p.Ala2764Ser; replaces alanine 2764 with serine.
Molecular consequence: missense variant. On other transcripts: non-coding transcript variant (1).
Genome position (GRCh38, 1-based): chr13:32,363,492, G>T. VCF-style: chr13-32363492-G-T. GRCh37 (hg19) VCF-style: chr13-32937629-G-T.
Other names: c.8194G>T, p.Ala2732Ser (NM_001406719.1); c.8290G>T, p.Ala2764Ser (NM_001406720.1); c.3358G>T, p.Ala1120Ser (NM_001406721.1); c.1873G>T, p.Ala625Ser (NM_001406722.1); short protein forms A1120S, A2764S, A2732S, A625S.
Identifiers: ClinVar variation 2842777 (VCV002842777.3), dbSNP rs786202189, ClinGen allele CA387750127.